The following is an entry in ClinVar:

NM_017947.4(MOCOS):c.442C>T (p.Leu148Phe)

Gene: MOCOS (molybdenum cofactor sulfurase; plus strand). Cytogenetic location: 18q12.2.
Variant type: single nucleotide variant.
Coding change: c.442C>T on transcript NM_017947.4 (MANE Select); coding-DNA position 442, C replaced by T.
Protein change: p.Leu148Phe; replaces leucine 148 with phenylalanine.
Molecular consequence: missense variant.
Genome position (GRCh38, 1-based): chr18:36,199,825, C>T. VCF-style: chr18-36199825-C-T. GRCh37 (hg19) VCF-style: chr18-33779788-C-T.
Other names: short protein forms L148F.
Identifiers: ClinVar variation 1449065 (VCV001449065.6), dbSNP rs2144900693, ClinGen allele CA402213131.

ClinVar aggregate classification (germline): Uncertain significance (1 of 4 stars; one submission).

Conditions:
Xanthinuria type II. Also called: Xanthine dehydrogenase and aldehyde oxidase combined deficiency of; XDH and AOX dual deficiency. Identifiers: Orphanet 3467, Orphanet 93602, MedGen C1863688, MONDO:0011346, OMIM 603592.

Submission:

Labcorp Genetics (formerly Invitae), Labcorp
Classification: Uncertain significance for Xanthinuria type II. Last evaluated: 2021-08-29. Review status: criteria provided, single submitter. Criteria: Invitae Variant Classification Sherloc (09022015). Collection method: clinical testing. Allele origin: germline.
Comment: In summary, the available evidence is currently insufficient to determine the role of this variant in disease. Therefore, it has been classified as a Variant of Uncertain Significance. Algorithms developed to predict the effect of missense changes on protein structure and function are either unavailable or do not agree on the potential impact of this missense change (SIFT: "Deleterious"; PolyPhen-2: "Probably Damaging"; Align-GVGD: "Class C0"). This variant has not been reported in the literature in individuals affected with MOCOS-related conditions. This variant is not present in population databases (ExAC no frequency). This sequence change replaces leucine with phenylalanine at codon 148 of the MOCOS protein (p.Leu148Phe). The leucine residue is highly conserved and there is a small physicochemical difference between leucine and phenylalanine.